The following is an entry in ClinVar:

ClinVar aggregate classification (germline): Uncertain significance. Review status: criteria provided, multiple submitters, no conflicts (2 of 4 stars). 4 submissions from 4 submitters: Uncertain significance (4). Last evaluated 2026-09-10.

Conditions:
Cardiovascular phenotype. Identifiers: MedGen CN230736.
Cardiomyopathy (CMYO). Also called: Cardiomyopathies. Identifiers: Orphanet 167848, MedGen C0878544, MONDO:0004994, HP:0001638. Inheritance: Various modes of inheritance.
LMNA-related disorder. Also called: LMNA-related condition; LMNA-related disease; LMNA-related disorders. Identifiers: MedGen CN380145.
Charcot-Marie-Tooth disease type 2. Also called: Charcot-Marie-Tooth type 2. Identifiers: Orphanet 64746, MedGen C0270914, MONDO:0018993.

gnomAD v4.1: 1 of 1,598,110 alleles (0.000063%); highest among the groups gnomAD compares: South Asian, 0.0011%; no homozygotes.

Submissions (4):

PreventionGenetics, part of Exact Sciences
Classification: Uncertain significance for LMNA-related condition. Last evaluated: 2026-09-10. Review status: criteria provided, single submitter. Criteria: ACMG Guidelines, 2015. Collection method: clinical testing. Allele origin: germline.
Comment: The LMNA c.71C>G variant is predicted to result in the amino acid substitution p.Thr24Ser. This variant was reported in the homozygous state in an individual with Emery-Dreifuss muscular dystrophy (Fattahi et al. 2017. PubMed ID: 27234031). This variant has not been reported in a large population database (gnomAD), indicating this variant is rare. At this time, the clinical significance of this variant is uncertain due to the absence of conclusive functional and genetic evidence.

Labcorp Genetics (formerly Invitae), Labcorp
Classification: Uncertain significance for Charcot-Marie-Tooth disease type 2. Last evaluated: 2025-08-13. Review status: criteria provided, single submitter. Criteria: Invitae Variant Classification Sherloc (09022015). Collection method: clinical testing. Allele origin: germline.
Comment: This sequence change replaces threonine, which is neutral and polar, with serine, which is neutral and polar, at codon 24 of the LMNA protein (p.Thr24Ser). This variant is not present in population databases (gnomAD no frequency). This missense change has been observed in individual(s) with Emery-Dreifuss muscular dystrophy (PMID: 27234031). ClinVar contains an entry for this variant (Variation ID: 644974). Invitae Evidence Modeling of protein sequence and biophysical properties (such as structural, functional, and spatial information, amino acid conservation, physicochemical variation, residue mobility, and thermodynamic stability) indicates that this missense variant is expected to disrupt LMNA protein function with a positive predictive value of 95%. In summary, the available evidence is currently insufficient to determine the role of this variant in disease. Therefore, it has been classified as a Variant of Uncertain Significance.

Color Diagnostics, LLC DBA Color Health
Classification: Uncertain significance for Cardiomyopathy. Last evaluated: 2021-12-16. Review status: criteria provided, single submitter. Criteria: ACMG Guidelines, 2015. Collection method: clinical testing. Allele origin: germline.
Comment: This missense variant replaces threonine with serine at codon 24 of the LMNA protein. Computational prediction suggests that this variant may not impact protein structure and function (internally defined REVEL score threshold <= 0.5, PMID: 27666373). To our knowledge, functional studies have not been reported for this variant. This variant has been reported to be homozygous in an individual affected with Emery-Dreifuss muscular dystrophy (PMID: 27234031). This variant has not been identified in the general population by the Genome Aggregation Database (gnomAD). The available evidence is insufficient to determine the role of this variant in disease conclusively. Therefore, this variant is classified as a Variant of Uncertain Significance.

Ambry Genetics
Classification: Uncertain significance for Cardiovascular phenotype. Last evaluated: 2021-11-17. Review status: criteria provided, single submitter. Criteria: Ambry Variant Classification Scheme 2023. Collection method: clinical testing. Allele origin: germline.
Comment: The p.T24S variant (also known as c.71C>G), located in coding exon 1 of the LMNA gene, results from a C to G substitution at nucleotide position 71. The threonine at codon 24 is replaced by serine, an amino acid with similar properties. This alteration has been reported as homozygous in a subject with features of muscular dystrophy (Fattahi Z et al. Clin Genet, 2017 03;91:386-402). This amino acid position is well conserved in available vertebrate species. In addition, this alteration is predicted to be tolerated by in silico analysis. Since supporting evidence is limited at this time, the clinical significance of this alteration remains unclear.

Literature cited by the submitters: PubMed 27234031 (cited by 3 submitters).

NM_170707.4(LMNA):c.71C>G (p.Thr24Ser)

Genes: LMNA (lamin A/C; plus strand), LOC129931597 (ATAC-STARR-seq lymphoblastoid silent region 1421; plus strand). Cytogenetic location: 1q22.
Variant type: single nucleotide variant.
Coding change: c.71C>G on transcript NM_170707.4 (MANE Select); coding-DNA position 71, C replaced by G.
Protein change: p.Thr24Ser; replaces threonine 24 with serine.
Molecular consequence: missense variant.
Genome position (GRCh38, 1-based): chr1:156,114,989, C>G. VCF-style: chr1-156114989-C-G. GRCh37 (hg19) VCF-style: chr1-156084780-C-G.
Other names: c.71C>G, p.Thr24Ser (NM_001282625.2, NM_001282626.2, NM_005572.4 and 1 more transcripts); short protein forms T24S.
Identifiers: ClinVar variation 644974 (VCV000644974.15), dbSNP rs1195524446, ClinGen allele CA342807231.